The following is an entry in ClinVar:

ClinVar aggregate classification (germline): Conflicting classifications of pathogenicity. Review status: criteria provided, conflicting classifications (1 of 4 stars). 2 submissions from 2 submitters: Uncertain significance (1); Likely benign (1). Last evaluated 2025-12-15.

Conditions:
Autosomal dominant spastic paraplegia type 9. Identifiers: MedGen C1832669, MONDO:0015091.
de Barsy syndrome. Also called: Cutis laxa-corneal clouding-oligophrenia syndrome. Identifiers: Orphanet 2962, MedGen C0268354, MONDO:0017569.
Cutis laxa, autosomal dominant 3 (ADCL3). Identifiers: Orphanet 90348, MedGen C4225268, MONDO:0014706, OMIM 616603.

gnomAD v4.1: 11 of 1,561,460 alleles (0.0007%); highest among the groups gnomAD compares: Non-Finnish European, 0.00096%; no homozygotes.

Submissions (2):

Labcorp Genetics (formerly Invitae), Labcorp
Classification: Uncertain significance for Autosomal dominant spastic paraplegia type 9; de Barsy syndrome; Cutis laxa, autosomal dominant 3. Last evaluated: 2025-12-15. Review status: criteria provided, single submitter. Criteria: Invitae Variant Classification Sherloc (09022015). Collection method: clinical testing. Allele origin: germline.
Comment: This sequence change falls in intron 13 of the ALDH18A1 gene. It does not directly change the encoded amino acid sequence of the ALDH18A1 protein. It affects a nucleotide within the consensus splice site. This variant is present in population databases (rs769663012, gnomAD 0.002%). This variant has not been reported in the literature in individuals affected with ALDH18A1-related conditions. Variants that disrupt the consensus splice site are a relatively common cause of aberrant splicing (PMID: 17576681, 9536098). Algorithms developed to predict the effect of sequence changes on RNA splicing suggest that this variant is not likely to affect RNA splicing. In summary, the available evidence is currently insufficient to determine the role of this variant in disease. Therefore, it has been classified as a Variant of Uncertain Significance.

Blueprint Genetics
Classification: Likely benign. Last evaluated: 2022-06-22. Review status: criteria provided, single submitter. Criteria: ACMG Guidelines, 2015. Collection method: clinical testing. Allele origin: germline.

Literature cited by the submitters: PubMed 17576681 (cited by Labcorp Genetics (formerly Invitae), Labcorp); PubMed 9536098 (cited by Labcorp Genetics (formerly Invitae), Labcorp).

NM_002860.4(ALDH18A1):c.1605+4G>A

Gene: ALDH18A1 (aldehyde dehydrogenase 18 family member A1; minus strand). Cytogenetic location: 10q24.1.
Variant type: single nucleotide variant.
Coding change: c.1605+4G>A on transcript NM_002860.4 (MANE Select); 4 bases into the intron after coding-DNA position 1605, G replaced by A.
Molecular consequence: intron variant.
Genome position (GRCh38, 1-based): chr10:95,616,473, C>T on the plus strand (G>A on the coding strand, the complement: ALDH18A1 is on the minus strand). VCF-style: chr10-95616473-C-T. GRCh37 (hg19) VCF-style: chr10-97376230-C-T.
Other names: c.969+4G>A (NM_001323419.2); c.1272+4G>A (NM_001323412.2, NM_001323416.2); c.1500+4G>A (NM_001323417.2); c.1599+4G>A (NM_001017423.2, NM_001323415.2); c.1266+4G>A (NM_001323418.2); c.1605+4G>A (NM_001323413.2, NM_001323414.2).
Identifiers: ClinVar variation 4788829 (VCV004788829.2).